The following is an entry in ClinVar:

NM_014290.3(TDRD7):c.295C>T (p.Arg99Cys)

Gene: TDRD7 (tudor domain containing 7; plus strand). Cytogenetic location: 9q22.33.
Variant type: single nucleotide variant.
Coding change: c.295C>T on transcript NM_014290.3 (MANE Select); coding-DNA position 295, C replaced by T.
Protein change: p.Arg99Cys; replaces arginine 99 with cysteine.
Molecular consequence: missense variant.
Genome position (GRCh38, 1-based): chr9:97,431,020, C>T. VCF-style: chr9-97431020-C-T. GRCh37 (hg19) VCF-style: chr9-100193302-C-T.
Other names: c.73C>T, p.Arg25Cys (NM_001302884.2); short protein forms R25C, R99C.
Identifiers: ClinVar variation 838196 (VCV000838196.8), dbSNP rs200783564, ClinGen allele CA5146409.

ClinVar aggregate classification (germline): Uncertain significance. Review status: criteria provided, multiple submitters, no conflicts (2 of 4 stars). 2 submissions from 2 submitters: Uncertain significance (2). Last evaluated 2021-08-25.

Conditions:
Cataract 36. Identifiers: MedGen C3151304, MONDO:0013484, OMIM 613887.

Allele frequency attached by ClinVar (database versions not stated): ExAC 0.00012; gnomAD 0.00012 and 0.00013; gnomAD exomes 0.00012 and 0.00026; TOPMed 0.00015; 1000 Genomes Project 30x 0.00016; 1000 Genomes Project 0.00020; ESP Exome Variant Server 0.00038.
gnomAD v4.1: 421 of 1,613,782 alleles (0.026%); highest among the groups gnomAD compares: Non-Finnish European, 0.032%; no homozygotes.

Submissions (2):

Labcorp Genetics (formerly Invitae), Labcorp
Classification: Uncertain significance for Cataract 36. Last evaluated: 2021-08-25. Review status: criteria provided, single submitter. Criteria: Invitae Variant Classification Sherloc (09022015). Collection method: clinical testing. Allele origin: germline.
Comment: This sequence change replaces arginine with cysteine at codon 99 of the TDRD7 protein (p.Arg99Cys). The arginine residue is weakly conserved and there is a large physicochemical difference between arginine and cysteine. This variant is present in population databases (rs200783564, ExAC 0.02%). This variant has not been reported in the literature in individuals affected with TDRD7-related conditions. Algorithms developed to predict the effect of missense changes on protein structure and function are either unavailable or do not agree on the potential impact of this missense change (SIFT: "Deleterious"; PolyPhen-2: "Benign"; Align-GVGD: "Class C0"). In summary, the available evidence is currently insufficient to determine the role of this variant in disease. Therefore, it has been classified as a Variant of Uncertain Significance.

Breakthrough Genomics
Classification: Uncertain significance. Review status: criteria provided, single submitter. Criteria: ACMG Guidelines, 2015. Collection method: not provided. Allele origin: germline. Inheritance: Autosomal recessive inheritance. Affected: yes.